The following is an entry in ClinVar:

ClinVar aggregate classification (germline): Uncertain significance. Review status: criteria provided, multiple submitters, no conflicts (2 of 4 stars). 2 submissions from 2 submitters: Uncertain significance (2). Last evaluated 2023-09-12.

Conditions:
Neuroblastoma, susceptibility to, 3. Also called: ALK-Related Neuroblastic Tumor Susceptibility. Identifiers: Orphanet 635, MedGen C2751681, MONDO:0013083, OMIM 613014.

gnomAD v4.1: 1 of 1,612,230 alleles (0.000062%); highest among the groups gnomAD compares: African/African-American, 0.0013%; no homozygotes.

Submissions (2):

Labcorp Genetics (formerly Invitae), Labcorp
Classification: Uncertain significance for Neuroblastoma, susceptibility to, 3. Last evaluated: 2023-09-12. Review status: criteria provided, single submitter. Criteria: Invitae Variant Classification Sherloc (09022015). Collection method: clinical testing. Allele origin: germline.
Comment: ClinVar contains an entry for this variant (Variation ID: 1712103). This sequence change creates a premature translational stop signal (p.Arg1464*) in the ALK gene. While this is not anticipated to result in nonsense mediated decay, it is expected to disrupt the last 157 amino acid(s) of the ALK protein. This variant is present in population databases (no rsID available, gnomAD 0.01%). This variant has not been reported in the literature in individuals affected with ALK-related conditions. In summary, the available evidence is currently insufficient to determine the role of this variant in disease. Therefore, it has been classified as a Variant of Uncertain Significance.

GeneDx
Classification: Uncertain significance. Last evaluated: 2022-04-21. Review status: criteria provided, single submitter. Criteria: GeneDx Variant Classification Process June 2021. Collection method: clinical testing. Allele origin: germline. Affected: yes.
Comment: Not observed at significant frequency in large population cohorts (gnomAD); Has not been previously published as pathogenic or benign to our knowledge; Nonsense variant predicted to result in protein truncation in a gene for which loss of function is not a known mechanism of disease

NM_004304.5(ALK):c.4390C>T (p.Arg1464Ter)

Gene: ALK (ALK receptor tyrosine kinase; minus strand). Cytogenetic location: 2p23.2.
Variant type: single nucleotide variant.
Coding change: c.4390C>T on transcript NM_004304.5 (MANE Select); coding-DNA position 4390, C replaced by T.
Protein change: p.Arg1464Ter; replaces arginine 1464 with a stop codon.
Molecular consequence: nonsense.
Genome position (GRCh38, 1-based): chr2:29,193,697, G>A on the plus strand (C>T on the coding strand, the complement: ALK is on the minus strand). VCF-style: chr2-29193697-G-A. GRCh37 (hg19) VCF-style: chr2-29416563-G-A.
Other names: c.1186C>T, p.Arg396Ter (NM_001353765.2); short protein forms R1464*, R396*.
Identifiers: ClinVar variation 1712103 (VCV001712103.5), dbSNP rs374135358, ClinGen allele CA346462250.